The following is an entry in ClinVar:

NM_001127208.3(TET2):c.1832T>C (p.Met611Thr)

Genes: TET2 (tet methylcytosine dioxygenase 2; plus strand), TET2-AS1 (TET2 antisense RNA 1; minus strand). Cytogenetic location: 4q24.
Variant type: single nucleotide variant.
Coding change: c.1832T>C on transcript NM_001127208.3 (MANE Select); coding-DNA position 1832, T replaced by C.
Protein change: p.Met611Thr; replaces methionine 611 with threonine.
Molecular consequence: missense variant.
Genome position (GRCh38, 1-based): chr4:105,235,774, T>C. VCF-style: chr4-105235774-T-C. GRCh37 (hg19) VCF-style: chr4-106156931-T-C.
Other names: c.1832T>C, p.Met611Thr (NM_017628.4); short protein forms M611T.
Identifiers: ClinVar variation 3805994 (VCV003805994.1).

ClinVar aggregate classification (germline): Uncertain significance (1 of 4 stars; one submission).

gnomAD v4.1: 1 of 1,614,106 alleles (0.000062%); highest among the groups gnomAD compares: East Asian, 0.0022%; no homozygotes.

Submission:

Ambry Genetics
Classification: Uncertain significance. Last evaluated: 2025-01-23. Review status: criteria provided, single submitter. Criteria: Ambry Variant Classification Scheme 2023. Collection method: clinical testing. Allele origin: germline.
Comment: The p.M611T variant (also known as c.1832T>C), located in coding exon 1 of the TET2 gene, results from a T to C substitution at nucleotide position 1832. The methionine at codon 611 is replaced by threonine, an amino acid with similar properties. This amino acid position is conserved. In addition, this alteration is predicted to be tolerated by in silico analysis. Based on the available evidence, the clinical significance of this variant remains unclear.